The following is an entry in ClinVar:

NM_015450.3(POT1):c.421T>C (p.Ser141Pro)

Gene: POT1 (protection of telomeres 1; minus strand). Cytogenetic location: 7q31.33.
Variant type: single nucleotide variant.
Coding change: c.421T>C on transcript NM_015450.3 (MANE Select); coding-DNA position 421, T replaced by C.
Protein change: p.Ser141Pro; replaces serine 141 with proline.
Molecular consequence: missense variant. On other transcripts: non-coding transcript variant (3).
Genome position (GRCh38, 1-based): chr7:124,863,475, A>G on the plus strand (T>C on the coding strand, the complement: POT1 is on the minus strand). VCF-style: chr7-124863475-A-G. GRCh37 (hg19) VCF-style: chr7-124503529-A-G.
Other names: c.28T>C, p.Ser10Pro (NM_001042594.2); short protein forms S10P, S141P.
Identifiers: ClinVar variation 3423113 (VCV003423113.1).

ClinVar aggregate classification (germline): Uncertain significance (1 of 4 stars; one submission).

Conditions:
Hereditary cancer-predisposing syndrome. Also called: Neoplastic Syndromes, Hereditary; Tumor predisposition; Hereditary Cancer Syndrome; Hereditary neoplastic syndrome. Identifiers: Orphanet 140162, MedGen C0027672, MeSH D009386, MONDO:0015356.

Submission:

Ambry Genetics
Classification: Uncertain significance for Hereditary cancer-predisposing syndrome. Last evaluated: 2024-08-02. Review status: criteria provided, single submitter. Criteria: Ambry Variant Classification Scheme 2023. Collection method: clinical testing. Allele origin: germline.
Comment: The p.S141P variant (also known as c.421T>C), located in coding exon 4 of the POT1 gene, results from a T to C substitution at nucleotide position 421. The serine at codon 141 is replaced by proline, an amino acid with similar properties. This amino acid position is conserved. In addition, the in silico prediction for this alteration is inconclusive. Based on the available evidence, the clinical significance of this variant remains unclear.